The following is an entry in ClinVar:

NM_014026.6(DCPS):c.745_747+1dup

Genes: DCPS (decapping enzyme, scavenger; plus strand), GSEC (G-quadruplex forming sequence containing lncRNA; minus strand). Cytogenetic location: 11q24.2.
Variant type: Duplication.
Coding change: c.745_747+1dup on transcript NM_014026.6 (MANE Select); coding-DNA position 745 through the canonical splice donor site of the intron after coding-DNA position 747, 4 bases duplicated (CAGG; older notation c.745_747+1dupCAGG).
Molecular consequence: splice donor variant.
Genome position (GRCh38, 1-based): chr11:126,343,415-126,343,418, CAGG duplicated; duplicating any 4 consecutive bases within chr11:126,343,413-126,343,418 gives the same sequence; the c. name uses the placement nearest the transcript's 3' end. VCF-style (leftmost placement, unchanged base first): chr11-126343412-G-GGGCA. GRCh37 (hg19) VCF-style: chr11-126213307-G-GGGCA.
Other names: c.766_768+1dup (NM_001350236.2).
Identifiers: ClinVar variation 3383439 (VCV003383439.1).

ClinVar aggregate classification (germline): Uncertain significance (1 of 4 stars; one submission).

Submission:

GeneDx
Classification: Uncertain significance. Last evaluated: 2024-05-29. Review status: criteria provided, single submitter. Criteria: GeneDx Variant Classification Process June 2021. Collection method: clinical testing. Allele origin: germline. Affected: yes.
Comment: Not observed at significant frequency in large population cohorts (gnomAD); Canonical splice site variant, however the adjacent exon is predicted to be in frame.; Has not been previously published as pathogenic or benign to our knowledge